The following is an entry in ClinVar:

NM_024753.5(TTC21B):c.411A>G (p.Ile137Met)

Genes: TTC21B (tetratricopeptide repeat domain 21B; minus strand), TTC21B-AS1 (TTC21B antisense RNA 1; plus strand). Cytogenetic location: 2q24.3.
Variant type: single nucleotide variant.
Coding change: c.411A>G on transcript NM_024753.5 (MANE Select); coding-DNA position 411, A replaced by G.
Protein change: p.Ile137Met; replaces isoleucine 137 with methionine.
Molecular consequence: missense variant.
Genome position (GRCh38, 1-based): chr2:165,945,542, T>C on the plus strand (A>G on the coding strand, the complement: TTC21B is on the minus strand). VCF-style: chr2-165945542-T-C. GRCh37 (hg19) VCF-style: chr2-166802052-T-C.
Other names: short protein forms I137M.
Identifiers: ClinVar variation 2137505 (VCV002137505.4), dbSNP rs768126044, ClinGen allele CA1942458.
Genomic context (GRCh38, chr2:165,945,542, plus strand): 5'-CATTTTTTAATGTTATTATTTTAAACTCAGAAAAATAGCTACCTGTTTACTACCATCTGA[T>C]ATTTTGATCATTCTGTCAATATATTCCCTTGCTTTATCATGGCGACCAATGTGCCATAAA-3'
Protein context (NP_079029.3, residues 127-147): AREYIDRMIK[Ile137Met]SDGSKQGHVL

ClinVar aggregate classification (germline): Uncertain significance (1 of 4 stars; one submission).

Conditions:
Jeune thoracic dystrophy. Also called: Jeune syndrome; Infantile thoracic dystrophy; Thoracic pelvic phalangeal dystrophy; Jeune's syndrome; Chondroectodermal dysplasia-like syndrome; Short-rib thoracic dysplasia. Identifiers: Orphanet 474, MedGen C0265275, MONDO:0018770.
Nephronophthisis. Also called: Juvenile Nephronophthisis. Identifiers: Orphanet 655, MedGen C0687120, MONDO:0019005, HP:0000090.

Allele frequency attached by ClinVar (database versions not stated): TOPMed below 0.00001; gnomAD 0.00001; gnomAD exomes 0.00001; ExAC 0.00003.
gnomAD v4.1: 9 of 1,613,466 alleles (0.00056%); highest among the groups gnomAD compares: South Asian, 0.0033%; no homozygotes.

Submission:

Labcorp Genetics (formerly Invitae), Labcorp
Classification: Uncertain significance for Jeune thoracic dystrophy; Nephronophthisis. Last evaluated: 2022-02-23. Review status: criteria provided, single submitter. Criteria: Invitae Variant Classification Sherloc (09022015). Collection method: clinical testing. Allele origin: germline.
Comment: This variant has not been reported in the literature in individuals affected with TTC21B-related conditions. In summary, the available evidence is currently insufficient to determine the role of this variant in disease. Therefore, it has been classified as a Variant of Uncertain Significance. Algorithms developed to predict the effect of missense changes on protein structure and function output the following: SIFT: "Tolerated"; PolyPhen-2: "Benign"; Align-GVGD: "Class C0". The methionine amino acid residue is found in multiple mammalian species, which suggests that this missense change does not adversely affect protein function. This variant is present in population databases (rs768126044, gnomAD 0.01%). This sequence change replaces isoleucine, which is neutral and non-polar, with methionine, which is neutral and non-polar, at codon 137 of the TTC21B protein (p.Ile137Met).